The following is an entry in ClinVar:

NC_000003.12:g.45913155G>T

Gene: LZTFL1 (leucine zipper transcription factor like 1; minus strand). Cytogenetic location: 3p21.31.
Variant type: single nucleotide variant.
Molecular consequence: 5 prime UTR variant (on NM_001276378.2). On other transcripts: non-coding transcript variant (1).
Genome position: GRCh38 VCF-style: chr3-45913155-G-T. GRCh37 (hg19) VCF-style: chr3-45954647-G-T.
Other names: c.-173C>A (NM_001276378.2, NM_001405927.1); c.-9C>A (NM_001276379.2, NM_001405920.1, NM_001405921.1 and 1 more transcripts); c.-212C>A (NM_001405923.1, NM_001405926.1).
Identifiers: ClinVar variation 3345113 (VCV003345113.1).

ClinVar aggregate classification (germline): Likely benign (0 of 4 stars; one submission).

Conditions:
LZTFL1-related disorder. Also called: LZTFL1-related condition.

Submission:

PreventionGenetics, part of Exact Sciences
Classification: Likely benign for LZTFL1-related condition. Last evaluated: 2024-05-16. Review status: no assertion criteria provided. Collection method: clinical testing. Allele origin: germline.
Comment: This variant is classified as likely benign based on ACMG/AMP sequence variant interpretation guidelines (Richards et al. 2015 PMID: 25741868, with internal and published modifications).